The following is an entry in ClinVar:

NM_000222.3(KIT):c.1593C>G (p.Ile531Met)

Gene: KIT (KIT proto-oncogene, receptor tyrosine kinase; plus strand). Cytogenetic location: 4q12.
Variant type: single nucleotide variant.
Coding change: c.1593C>G on transcript NM_000222.3 (MANE Select); coding-DNA position 1593, C replaced by G.
Protein change: p.Ile531Met; replaces isoleucine 531 with methionine.
Molecular consequence: missense variant.
Genome position (GRCh38, 1-based): chr4:54,727,270, C>G. VCF-style: chr4-54727270-C-G. GRCh37 (hg19) VCF-style: chr4-55593436-C-G.
Other names: c.1581C>G, p.Ile527Met (NM_001093772.2, NM_001385286.1); c.1596C>G, p.Ile532Met (NM_001385284.1, NM_001385290.1); c.1593C>G, p.Ile531Met (NM_001385285.1); c.1584C>G, p.Ile528Met (NM_001385288.1, NM_001385292.1); short protein forms I528M, I532M, I531M, I527M.
Identifiers: ClinVar variation 3288756 (VCV003288756.1).
Genomic context (GRCh38, chr4:54,727,270, plus strand): 5'-CATTGTAGAGCAAATCCATCCCCACACCCTGTTCACTCCTTTGCTGATTGGTTTCGTAAT[C>G]GTAGCTGGCATGATGTGCATTATTGTGATGATTCTGACCTACAAATATTTACAGGTAACC-3'
Protein context (NP_000213.1, residues 521-541): LFTPLLIGFV[Ile531Met]VAGMMCIIVM

ClinVar aggregate classification (germline): Uncertain significance (1 of 4 stars; one submission).

Conditions:
Hereditary cancer-predisposing syndrome. Also called: Tumor predisposition; Hereditary Cancer Syndrome; Hereditary neoplastic syndrome; Neoplastic Syndromes, Hereditary. Identifiers: Orphanet 140162, MedGen C0027672, MeSH D009386, MONDO:0015356.

Submission:

Ambry Genetics
Classification: Uncertain significance for Hereditary cancer-predisposing syndrome. Last evaluated: 2024-05-10. Review status: criteria provided, single submitter. Criteria: Ambry Variant Classification Scheme 2023. Collection method: clinical testing. Allele origin: germline.
Comment: The p.I531M variant (also known as c.1593C>G), located in coding exon 10 of the KIT gene, results from a C to G substitution at nucleotide position 1593. The isoleucine at codon 531 is replaced by methionine, an amino acid with highly similar properties. This amino acid position is conserved. In addition, this alteration is predicted to be tolerated by in silico analysis. Based on the available evidence, the clinical significance of this variant remains unclear.